The following is an entry in ClinVar:

ClinVar aggregate classification (germline): Uncertain significance (1 of 4 stars; one submission).

Submission:

Labcorp Genetics (formerly Invitae), Labcorp
Classification: Uncertain significance. Last evaluated: 2025-07-05. Review status: criteria provided, single submitter. Criteria: Invitae Variant Classification Sherloc (09022015). Collection method: clinical testing. Allele origin: germline.
Comment: This sequence change replaces proline, which is neutral and non-polar, with histidine, which is basic and polar, at codon 614 of the MMP2 protein (p.Pro614His). This variant is not present in population databases (gnomAD no frequency). This variant has not been reported in the literature in individuals affected with MMP2-related conditions. Invitae Evidence Modeling of protein sequence and biophysical properties (such as structural, functional, and spatial information, amino acid conservation, physicochemical variation, residue mobility, and thermodynamic stability) indicates that this missense variant is not expected to disrupt MMP2 protein function with a negative predictive value of 80%. In summary, the available evidence is currently insufficient to determine the role of this variant in disease. Therefore, it has been classified as a Variant of Uncertain Significance.

NM_004530.6(MMP2):c.1841C>A (p.Pro614His)

Gene: MMP2 (matrix metallopeptidase 2; plus strand). Cytogenetic location: 16q12.2.
Variant type: single nucleotide variant.
Coding change: c.1841C>A on transcript NM_004530.6 (MANE Select); coding-DNA position 1841, C replaced by A.
Protein change: p.Pro614His; replaces proline 614 with histidine.
Molecular consequence: missense variant.
Genome position (GRCh38, 1-based): chr16:55,502,850, C>A. VCF-style: chr16-55502850-C-A. GRCh37 (hg19) VCF-style: chr16-55536762-C-A.
Other names: c.1691C>A, p.Pro564His (NM_001127891.3); c.1613C>A, p.Pro538His (NM_001302508.1, NM_001302509.2, NM_001302510.2); short protein forms P538H, P564H, P614H.
Identifiers: ClinVar variation 4806873 (VCV004806873.1).
Genomic context (GRCh38, chr16:55,502,850, plus strand): 5'-TGAAGAAGAAAATGGATCCTGGCTTCCCCAAGCTCATCGCAGATGCCTGGAATGCCATCC[C>A]CGATAACCTGGATGCCGTCGTGGACCTGCAGGGCGGCGGTGAGCCACCCAGGACTGTCTC-3'
Protein context (NP_004521.1, residues 604-624): KLIADAWNAI[Pro614His]DNLDAVVDLQ